The following is an entry in ClinVar:

NM_201384.3(PLEC):c.10180G>C (p.Ala3394Pro)

Gene: PLEC (plectin; minus strand). Cytogenetic location: 8q24.3.
Variant type: single nucleotide variant.
Coding change: c.10180G>C on transcript NM_201384.3 (MANE Select); coding-DNA position 10180, G replaced by C.
Protein change: p.Ala3394Pro; replaces alanine 3394 with proline.
Molecular consequence: missense variant.
Genome position (GRCh38, 1-based): chr8:143,919,641, C>G on the plus strand (G>C on the coding strand, the complement: PLEC is on the minus strand). VCF-style: chr8-143919641-C-G. GRCh37 (hg19) VCF-style: chr8-144993809-C-G.
Other names: c.10261G>C, p.Ala3421Pro (NM_000445.5); c.6880G>C, p.Ala2294Pro (NM_001410941.1); c.10138G>C, p.Ala3380Pro (NM_201378.4); c.10114G>C, p.Ala3372Pro (NM_201379.3); c.10591G>C, p.Ala3531Pro (NM_201380.4); c.10084G>C, p.Ala3362Pro (NM_201381.3); c.10180G>C, p.Ala3394Pro (NM_201382.4); c.10192G>C, p.Ala3398Pro (NM_201383.3); short protein forms A3362P, A3372P, A3380P, A3394P, A3421P, A3531P, A2294P, A3398P.
Identifiers: ClinVar variation 2953883 (VCV002953883.3), dbSNP rs1821850241, ClinGen allele CA372503117.

ClinVar aggregate classification (germline): Uncertain significance (1 of 4 stars; one submission).

Conditions:
Epidermolysis bullosa simplex with nail dystrophy (EBS5D). Identifiers: MedGen C4225309, MONDO:0014661, OMIM 616487.
Autosomal recessive limb-girdle muscular dystrophy type 2Q (LGMDR17). Also called: MUSCULAR DYSTROPHY, LIMB-GIRDLE, AUTOSOMAL RECESSIVE 17. Identifiers: Orphanet 254361, MedGen C3150989, MONDO:0013390, OMIM 613723.
Epidermolysis bullosa simplex 5C, with pyloric atresia (EBS5C). Also called: PLEC1-Related Epidermolysis Bullosa with Pyloric Atresia; PLEC-Related Epidermolysis Bullosa with Pyloric Atresia; Epidermolysis bullosa simplex with pyloric atresia. Identifiers: Orphanet 158684, MedGen C2677349, MONDO:0012807, OMIM 612138.
Epidermolysis bullosa simplex 5B, with muscular dystrophy (EBS5B). Also called: Epidermolysis bullosa simplex with muscular dystrophy; EPIDERMOLYSIS BULLOSA SIMPLEX AND LIMB-GIRDLE MUSCULAR DYSTROPHY. Identifiers: Orphanet 257, MedGen C2931072, MONDO:0009181, OMIM 226670.
Epidermolysis bullosa simplex, Ogna type (EBS5A). Also called: EPIDERMOLYSIS BULLOSA SIMPLEX 5A, OGNA TYPE; Pidermolysis bullosa simplex 5A, Ogna type. Identifiers: Orphanet 79401, MedGen C0432317, MONDO:0007555, OMIM 131950.

Submission:

Labcorp Genetics (formerly Invitae), Labcorp
Classification: Uncertain significance for Autosomal recessive limb-girdle muscular dystrophy type 2Q; Epidermolysis bullosa simplex, Ogna type; Epidermolysis bullosa simplex with nail dystrophy; Epidermolysis bullosa simplex 5C, with pyloric atresia; Epidermolysis bullosa simplex 5B, with muscular dystrophy. Last evaluated: 2025-10-02. Review status: criteria provided, single submitter. Criteria: Invitae Variant Classification Sherloc (09022015). Collection method: clinical testing. Allele origin: germline.
Comment: This sequence change replaces alanine, which is neutral and non-polar, with proline, which is neutral and non-polar, at codon 3421 of the PLEC protein (p.Ala3421Pro). This variant is not present in population databases (gnomAD no frequency). This variant has not been reported in the literature in individuals affected with PLEC-related conditions. ClinVar contains an entry for this variant (Variation ID: 2953883). Invitae Evidence Modeling of protein sequence and biophysical properties (such as structural, functional, and spatial information, amino acid conservation, physicochemical variation, residue mobility, and thermodynamic stability) has been performed for this missense variant. However, the output from this modeling did not meet the statistical confidence thresholds required to predict the impact of this variant on PLEC protein function. In summary, the available evidence is currently insufficient to determine the role of this variant in disease. Therefore, it has been classified as a Variant of Uncertain Significance.